The following is an entry in ClinVar:

NM_016239.4(MYO15A):c.5504G>T (p.Arg1835Leu)

Gene: MYO15A (myosin XVA; plus strand). Cytogenetic location: 17p11.2.
Variant type: single nucleotide variant.
Coding change: c.5504G>T on transcript NM_016239.4 (MANE Select); coding-DNA position 5504, G replaced by T.
Protein change: p.Arg1835Leu; replaces arginine 1835 with leucine.
Molecular consequence: missense variant.
Genome position (GRCh38, 1-based): chr17:18,141,116, G>T. VCF-style: chr17-18141116-G-T. GRCh37 (hg19) VCF-style: chr17-18044430-G-T.
Other names: short protein forms R1835L.
Identifiers: ClinVar variation 1301936 (VCV001301936.6), dbSNP rs752816535, ClinGen allele CA398601461.

ClinVar aggregate classification (germline): Conflicting classifications of pathogenicity. Review status: criteria provided, conflicting classifications (1 of 4 stars). 3 submissions from 3 submitters: Likely pathogenic (2); Uncertain significance (1). Last evaluated 2025-07-30.

Conditions:
Autosomal recessive nonsyndromic hearing loss 3. Also called: NEUROSENSORY NONSYNDROMIC RECESSIVE DEAFNESS 3. Identifiers: Orphanet 90636, MedGen C1838263, MONDO:0010860, OMIM 600316.

gnomAD v4.1: 35 of 1,613,904 alleles (0.0022%); highest among the groups gnomAD compares: Non-Finnish European, 0.0029%; no homozygotes.

Submissions (3):

Women's Health and Genetics/Laboratory Corporation of America, LabCorp
Classification: Uncertain significance. Last evaluated: 2025-07-30. Review status: criteria provided, single submitter. Criteria: LabCorp Variant Classification Summary - May 2015. Collection method: clinical testing. Allele origin: germline.
Comment: Variant summary: MYO15A c.5504G>T (p.Arg1835Leu) results in a non-conservative amino acid change in the encoded protein sequence. Algorithms developed to predict the effect of missense changes on protein structure and function all suggest that this variant is likely to be disruptive. The frequency data for this variant in gnomAD is considered unreliable, as metrics indicate poor data quality at this position. c.5504G>T has been reported in the literature as a compound heterozygous genotype in at-least one individual affected with non-syndromic sensorineural hearing loss (NSHL) (example, Fu_2022). These data do not allow any conclusion about variant significance. Another variant located at the same codon, c.5504G>A (p.Arg1835His) has been classified as Pathogenic in the ClinVar database, potentially supporting the critical relevance of Arginine 1835 residue to MYO15A protein function. To our knowledge, no experimental evidence demonstrating an impact on protein function has been reported. The following publications have been ascertained in the context of this evaluation (PMID: 36472766, 35346193). ClinVar contains an entry for this variant (Variation ID: 1301936). Based on the evidence outlined above, the variant was classified as VUS-possibly pathogenic.

Labcorp Genetics (formerly Invitae), Labcorp
Classification: Likely pathogenic. Last evaluated: 2023-07-18. Review status: criteria provided, single submitter. Criteria: Invitae Variant Classification Sherloc (09022015). Collection method: clinical testing. Allele origin: germline.
Comment: In summary, the currently available evidence indicates that the variant is pathogenic, but additional data are needed to prove that conclusively. Therefore, this variant has been classified as Likely Pathogenic. This variant disrupts the p.Arg1835 amino acid residue in MYO15A. Other variant(s) that disrupt this residue have been determined to be pathogenic (PMID: 29482514). This suggests that this residue is clinically significant, and that variants that disrupt this residue are likely to be disease-causing. Advanced modeling of protein sequence and biophysical properties (such as structural, functional, and spatial information, amino acid conservation, physicochemical variation, residue mobility, and thermodynamic stability) performed at Invitae indicates that this missense variant is expected to disrupt MYO15A protein function. ClinVar contains an entry for this variant (Variation ID: 1301936). This missense change has been observed in individual(s) with deafness (PMID: 35346193). This variant is not present in population databases (gnomAD no frequency). This sequence change replaces arginine, which is basic and polar, with leucine, which is neutral and non-polar, at codon 1835 of the MYO15A protein (p.Arg1835Leu).

Molecular Diagnosis Center for Deafness
Classification: Likely pathogenic for Autosomal recessive nonsyndromic hearing loss 3. Review status: criteria provided, single submitter. Criteria: ClinGen HL ACMG Specifications v1. Collection method: clinical testing. Allele origin: maternal. Observed: 1 variant allele.

Literature cited by the submitters: PubMed 35346193 (cited by Women's Health and Genetics/Laboratory Corporation of America, LabCorp and Labcorp Genetics (formerly Invitae), Labcorp); PubMed 36472766 (cited by Women's Health and Genetics/Laboratory Corporation of America, LabCorp); PubMed 29482514 (cited by Labcorp Genetics (formerly Invitae), Labcorp).